The following is an entry in ClinVar:

ClinVar aggregate classification (germline): Likely pathogenic (1 of 4 stars; one submission).

Conditions:
Cardiovascular phenotype. Identifiers: MedGen CN230736.

Submission:

Ambry Genetics
Classification: Likely pathogenic for Cardiovascular phenotype. Last evaluated: 2026-03-27. Review status: criteria provided, single submitter. Criteria: Ambry Variant Classification Scheme 2023. Collection method: clinical testing. Allele origin: germline.
Comment: The c.73393_73403delTACAGACAAGG variant, located in coding exon 184 of the TTN gene, results from a deletion of 11 nucleotides at nucleotide positions 73393 to 73403, causing a translational frameshift with a predicted alternate stop codon (p.Y24465Qfs*11). This exon is located in the A-band region of the N2-B isoform of the titin protein and is constitutively expressed in TTN transcripts (percent spliced in or PSI 100%). This variant is considered to be rare based on population cohorts in the Genome Aggregation Database (gnomAD). This variant is expected to result in loss of function by premature protein truncation or nonsense-mediated mRNA decay. While truncating variants in TTN are present in 1-3% of the general population, truncating variants in the A-band are the most common cause of dilated cardiomyopathy (Herman DS et al. N. Engl. J. Med., 2012 Feb;366:619-28; Roberts AM et al. Sci Transl Med, 2015 Jan;7:270ra6). TTN truncating variants encoded in constitutive exons (PSI >90%) have been found to be significantly associated with DCM regardless of their position in titin (Schafer S et al. Nat. Genet., 2017 01;49:46-53; Akhtar MM et al. Circ Heart Fail, 2020 Oct;13:e006832; Massier M et al. Clin Genet, 2025 Jan). Based on the majority of available evidence to date, this variant is likely to be pathogenic.

NM_001267550.2(TTN):c.100588_100598del (p.Tyr33530fs)

Genes: TTN (titin; minus strand), TTN-AS1 (TTN antisense RNA 1; plus strand). Cytogenetic location: 2q31.2.
Variant type: Deletion.
Coding change: c.100588_100598del on transcript NM_001267550.2 (MANE Select); coding-DNA positions 100588 to 100598, 11 bases deleted (TACAGACAAGG).
Protein change: p.Tyr33530fs; shifts the reading frame from tyrosine 33530.
Molecular consequence: frameshift variant.
Genome position (GRCh38, 1-based): chr2:178,536,149-178,536,159, CCTTGTCTGTA deleted on the plus strand (TACAGACAAGG on the coding strand, the reverse complement: TTN is on the minus strand); deleting any 11 consecutive bases within chr2:178,536,149-178,536,161 gives the same sequence; the c. name uses the placement nearest the transcript's 3' end. VCF-style (leftmost placement, unchanged base first): chr2-178536148-GCCTTGTCTGTA-G. GRCh37 (hg19) VCF-style: chr2-179400875-GCCTTGTCTGTA-G.
Other names: c.95665_95675del, p.Tyr31889fs (NM_001256850.1); c.73393_73403del, p.Tyr24465fs (NM_003319.4); c.92884_92894del, p.Tyr30962fs (NM_133378.4); c.73768_73778del, p.Tyr24590fs (NM_133432.3); c.73969_73979del, p.Tyr24657fs (NM_133437.4); c.73393_73403delTACAGACAAGG (NM_003319.4); short protein forms Y24465fs, Y24590fs, Y24657fs, Y30962fs, Y31889fs, Y33530fs.
Identifiers: ClinVar variation 4866178 (VCV004866178.1).